The following is an entry in ClinVar:

NM_015274.3(MAN2B2):c.1622A>G (p.Asn541Ser)

Gene: MAN2B2 (mannosidase alpha class 2B member 2; plus strand). Cytogenetic location: 4p16.1.
Variant type: single nucleotide variant.
Coding change: c.1622A>G on transcript NM_015274.3 (MANE Select); coding-DNA position 1622, A replaced by G.
Protein change: p.Asn541Ser; replaces asparagine 541 with serine.
Molecular consequence: missense variant.
Genome position (GRCh38, 1-based): chr4:6,605,137, A>G. VCF-style: chr4-6605137-A-G. GRCh37 (hg19) VCF-style: chr4-6606864-A-G.
Other names: p.Asn541Ser; c.1469A>G, p.Asn490Ser (NM_001292038.2); short protein forms N490S, N541S.
Identifiers: ClinVar variation 2687997 (VCV002687997.4), dbSNP rs2301788, ClinGen allele CA2841008.
Genomic context (GRCh38, chr4:6,605,137, plus strand): 5'-CATCTGCGTATGACCTGCTTATTCTGACCACAATCCCAGGCCTCAGTTACCGGCACTACA[A>G]CATCAGACCCACTGCAGGGGCCCAAGAGGGCACCCAGGAGCCGGCTGCCACTGTGGCGAG-3'
Protein context (NP_056089.1, residues 531-551): TIPGLSYRHY[Asn541Ser]IRPTAGAQEG

ClinVar aggregate classification (germline): Benign. Review status: criteria provided, multiple submitters, no conflicts (2 of 4 stars). 3 submissions from 3 submitters: Benign (3). Last evaluated 2026-01-21.

Allele frequency attached by ClinVar (database versions not stated): gnomAD 0.50388; ESP Exome Variant Server 0.50492; TOPMed 0.50806; gnomAD exomes 0.51510; ExAC 0.52022; 1000 Genomes Project 30x 0.53232; 1000 Genomes Project 0.53574.
gnomAD v4.1: 829,725 of 1,613,928 alleles (51%); highest among the groups gnomAD compares: East Asian, 66%; 214,707 homozygotes.

Submissions (3):

Women's Health and Genetics/Laboratory Corporation of America, LabCorp
Classification: Benign. Last evaluated: 2026-01-21. Review status: criteria provided, single submitter. Criteria: LabCorp Variant Classification Summary - May 2015. Collection method: clinical testing. Allele origin: germline.

Unidad de Genómica Garrahan, Hospital de Pediatría Garrahan
Classification: Benign. Last evaluated: 2024-01-24. Review status: criteria provided, single submitter. Criteria: ACMG Guidelines, 2015. Collection method: clinical testing. Allele origin: germline. Affected: no. Observed: 71 variant alleles.
Comment: This variant is classified as Benign based on local population frequency. This variant was detected in 75% of patients studied by a panel of primary immunodeficiencies. Number of patients: 71. Only high quality variants are reported.

Mayo Clinic Laboratories, Mayo Clinic
Classification: Benign. Last evaluated: 2022-04-14. Review status: criteria provided, single submitter. Criteria: ACMG Guidelines, 2015. Collection method: clinical testing. Allele origin: germline. Observed: 20 variant alleles.